The following is an entry in ClinVar:

NM_001370100.5(ZMYND11):c.91A>G (p.Ile31Val)

Gene: ZMYND11 (zinc finger MYND-type containing 11; plus strand). Cytogenetic location: 10p15.3.
Variant type: single nucleotide variant.
Coding change: c.91A>G on transcript NM_001370100.5 (MANE Select); coding-DNA position 91, A replaced by G.
Protein change: p.Ile31Val; replaces isoleucine 31 with valine.
Molecular consequence: missense variant. On other transcripts: 5 prime UTR variant (3), non-coding transcript variant (1), intron variant (5).
Genome position (GRCh38, 1-based): chr10:180,103, A>G. VCF-style: chr10-180103-A-G. GRCh37 (hg19) VCF-style: chr10-226043-A-G.
Other names: c.91A>G, p.Ile31Val (NM_001202464.3, NM_001202465.3, NM_001202466.3 and 24 more transcripts); c.-56A>G (NM_001330057.3, NM_001370112.2, NM_001370123.2); c.-4-29786A>G (NM_001370118.2, NM_001370121.2); c.51-29786A>G (NM_001370116.2, NM_001370120.2); c.-34+45211A>G (NM_001370124.3); short protein forms I31V.
Identifiers: ClinVar variation 4745062 (VCV004745062.1).

ClinVar aggregate classification (germline): Uncertain significance (1 of 4 stars; one submission).

Submission:

Labcorp Genetics (formerly Invitae), Labcorp
Classification: Uncertain significance. Last evaluated: 2025-10-01. Review status: criteria provided, single submitter. Criteria: Invitae Variant Classification Sherloc (09022015). Collection method: clinical testing. Allele origin: germline.
Comment: This sequence change replaces isoleucine, which is neutral and non-polar, with valine, which is neutral and non-polar, at codon 31 of the ZMYND11 protein (p.Ile31Val). This variant is not present in population databases (gnomAD no frequency). This variant has not been reported in the literature in individuals affected with ZMYND11-related conditions. Invitae Evidence Modeling of protein sequence and biophysical properties (such as structural, functional, and spatial information, amino acid conservation, physicochemical variation, residue mobility, and thermodynamic stability) indicates that this missense variant is not expected to disrupt ZMYND11 protein function with a negative predictive value of 80%. In summary, the available evidence is currently insufficient to determine the role of this variant in disease. Therefore, it has been classified as a Variant of Uncertain Significance.